The following is an entry in ClinVar:

NM_022051.3(EGLN1):c.429G>T (p.Glu143Asp)

Gene: EGLN1 (egl-9 family hypoxia inducible factor 1; minus strand). Cytogenetic location: 1q42.2.
Variant type: single nucleotide variant.
Coding change: c.429G>T on transcript NM_022051.3 (MANE Select); coding-DNA position 429, G replaced by T.
Protein change: p.Glu143Asp; replaces glutamic acid 143 with aspartic acid.
Molecular consequence: missense variant.
Genome position (GRCh38, 1-based): chr1:231,421,460, C>A on the plus strand (G>T on the coding strand, the complement: EGLN1 is on the minus strand). VCF-style: chr1-231421460-C-A. GRCh37 (hg19) VCF-style: chr1-231557206-C-A.
Other names: c.429G>T, p.Glu143Asp (NM_001377260.1, NM_001377261.1); short protein forms E143D.
Identifiers: ClinVar variation 2624654 (VCV002624654.2), dbSNP rs1384003338, ClinGen allele CA345237072.

ClinVar aggregate classification (germline): Uncertain significance (1 of 4 stars; one submission).

Submission:

Ambry Genetics
Classification: Uncertain significance. Last evaluated: 2023-08-26. Review status: criteria provided, single submitter. Criteria: Ambry Variant Classification Scheme 2023. Collection method: clinical testing. Allele origin: germline.
Comment: The p.E143D variant (also known as c.429G>T), located in coding exon 1 of the EGLN1 gene, results from a G to T substitution at nucleotide position 429. The glutamic acid at codon 143 is replaced by aspartic acid, an amino acid with highly similar properties. This amino acid position is conserved. In addition, this alteration is predicted to be tolerated by in silico analysis. Since supporting evidence is limited at this time, the clinical significance of this alteration remains unclear.